The following is an entry in ClinVar:

NM_024422.6(DSC2):c.633A>C (p.Ile211=)

Gene: DSC2 (desmocollin 2; minus strand). Cytogenetic location: 18q12.1.
Variant type: single nucleotide variant.
Coding change: c.633A>C on transcript NM_024422.6 (MANE Select); coding-DNA position 633, A replaced by C.
Protein change: p.Ile211=; no amino-acid change (isoleucine 211 retained).
Molecular consequence: synonymous variant.
Genome position (GRCh38, 1-based): chr18:31,087,811, T>G on the plus strand (A>C on the coding strand, the complement: DSC2 is on the minus strand). VCF-style: chr18-31087811-T-G. GRCh37 (hg19) VCF-style: chr18-28667774-T-G.
Other names: c.204A>C, p.Ile68= (NM_001406506.1, NM_001406507.1); c.633A>C, p.Ile211= (NM_004949.5); c.633A>C (NM_024422.3).
Identifiers: ClinVar variation 3386541 (VCV003386541.2).

ClinVar aggregate classification (germline): Likely benign. Review status: criteria provided, multiple submitters, no conflicts (2 of 4 stars). 2 submissions from 2 submitters: Likely benign (2). Last evaluated 2025-10-23.

Conditions:
Cardiovascular phenotype. Identifiers: MedGen CN230736.
Familial isolated arrhythmogenic right ventricular dysplasia. Identifiers: Orphanet 217656, MedGen C4274968, MONDO:0016342.

gnomAD v4.1: 1 of 1,613,656 alleles (0.000062%); highest among the groups gnomAD compares: Admixed American, 0.0017%; no homozygotes.

Submissions (2):

Ambry Genetics
Classification: Likely benign for Cardiovascular phenotype. Last evaluated: 2025-10-23. Review status: criteria provided, single submitter. Criteria: Ambry Variant Classification Scheme 2023. Collection method: clinical testing. Allele origin: germline.

All of Us Research Program, National Institutes of Health
Classification: Likely benign for Familial isolated arrhythmogenic right ventricular dysplasia. Last evaluated: 2024-03-24. Review status: criteria provided, single submitter. Criteria: ACMG Guidelines, 2015. Collection method: clinical testing. Allele origin: germline. Inheritance: Autosomal dominant inheritance. Observed: 1 variant allele, 1 heterozygote.
Comment: This study involves interpretation of variants in research participants for the purpose of population health screening. Participant phenotype was not available at the time of variant classification. Additional details can be found in publication PMID: 35346344, PMCID: PMC8962531